The following is an entry in ClinVar:

ClinVar aggregate classification (germline): Uncertain significance (1 of 4 stars; one submission).

Submission:

GeneDx
Classification: Uncertain significance. Last evaluated: 2023-04-09. Review status: criteria provided, single submitter. Criteria: GeneDx Variant Classification Process June 2021. Collection method: clinical testing. Allele origin: germline. Affected: yes.
Comment: Not observed at significant frequency in large population cohorts (gnomAD); In silico analysis supports that this missense variant has a deleterious effect on protein structure/function; Has not been previously published as pathogenic or benign to our knowledge

NM_001256012.3(MYH10):c.350A>G (p.Tyr117Cys)

Gene: MYH10 (myosin heavy chain 10; minus strand). Cytogenetic location: 17p13.1.
Variant type: single nucleotide variant.
Coding change: c.350A>G on transcript NM_001256012.3 (MANE Select); coding-DNA position 350, A replaced by G.
Protein change: p.Tyr117Cys; replaces tyrosine 117 with cysteine.
Molecular consequence: missense variant.
Genome position (GRCh38, 1-based): chr17:8,604,978, T>C on the plus strand (A>G on the coding strand, the complement: MYH10 is on the minus strand). VCF-style: chr17-8604978-T-C. GRCh37 (hg19) VCF-style: chr17-8508296-T-C.
Other names: c.350A>G, p.Tyr117Cys (NM_001256095.2, NM_001375266.1, NM_005964.5); short protein forms Y117C.
Identifiers: ClinVar variation 2662918 (VCV002662918.1), dbSNP rs2544659939, ClinGen allele CA398230512.
Genomic context (GRCh38, chr17:8,604,978, plus strand): 5'-TTCTCAGAGTAAATTGGAAGATTCTTGTAAGGGTTTATAACTACACAGAAGAGTCCAGAA[T>C]AAGTCTAGAATAAAAATAAAATAGAGTATTAAAAAAAAAACCTCTGCATTTATCAATCAG-3'
Protein context (NP_001242941.1, residues 107-127): DRYYSGLIYT[Tyr117Cys]SGLFCVVINP